The following is an entry in ClinVar:

NM_001113378.2(FANCI):c.406G>A (p.Ala136Thr)

Gene: FANCI (FA complementation group I; plus strand). Cytogenetic location: 15q26.1.
Variant type: single nucleotide variant.
Coding change: c.406G>A on transcript NM_001113378.2 (MANE Select); coding-DNA position 406, G replaced by A.
Protein change: p.Ala136Thr; replaces alanine 136 with threonine.
Molecular consequence: missense variant.
Genome position (GRCh38, 1-based): chr15:89,261,702, G>A. VCF-style: chr15-89261702-G-A. GRCh37 (hg19) VCF-style: chr15-89804933-G-A.
Other names: c.127G>A, p.Ala43Thr (NM_001376910.1); c.406G>A, p.Ala136Thr (NM_001376911.1, NM_018193.3); short protein forms A136T, A43T.
Identifiers: ClinVar variation 576582 (VCV000576582.14), dbSNP rs139181400, ClinGen allele CA7722603.
Genomic context (GRCh38, chr15:89,261,702, plus strand): 5'-GTCAGAGAAGGCAGCCTAGTGAATGGAAAATCTTTGGAGTTACTACCTATCATTCTCACT[G>A]CCCTGGCTACGAAAAAGGAAAATCTGGCTTATGGAAAAGGTAATTTTCTTCCGACTTTAG-3'
Protein context (NP_001106849.1, residues 126-146): SLELLPIILT[Ala136Thr]LATKKENLAY

ClinVar aggregate classification (germline): Uncertain significance. Review status: criteria provided, multiple submitters, no conflicts (2 of 4 stars). 4 submissions from 4 submitters: Uncertain significance (4). Last evaluated 2025-01-15.

Conditions:
Fanconi anemia (FA). Also called: Fanconi's anemia. Identifiers: Orphanet 84, MedGen C0015625, MeSH D005199, MONDO:0019391.
Fanconi anemia complementation group I (FANCI). Also called: FANCI-Related Fanconi Anemia. Identifiers: Orphanet 84, MedGen C1836861, MONDO:0012186, OMIM 609053.

Allele frequency attached by ClinVar (database versions not stated): gnomAD exomes 0.00008; ExAC 0.00009; ESP Exome Variant Server 0.00015; 1000 Genomes Project 30x 0.00016; 1000 Genomes Project 0.00020; gnomAD 0.00029 and 0.00031; TOPMed 0.00033.
gnomAD v4.1: 77 of 1,614,108 alleles (0.0048%); highest among the groups gnomAD compares: African/African-American, 0.096%; 1 homozygote.

Submissions (4):

Women's Health and Genetics/Laboratory Corporation of America, LabCorp
Classification: Uncertain significance. Last evaluated: 2025-01-15. Review status: criteria provided, single submitter. Criteria: LabCorp Variant Classification Summary - May 2015. Collection method: clinical testing. Allele origin: germline.
Comment: Variant summary: FANCI c.406G>A (p.Ala136Thr) results in a non-conservative amino acid change in the encoded protein sequence. Three of four in-silico tools predict a damaging effect of the variant on protein function. The variant allele was found at a frequency of 7.6e-05 in 251428 control chromosomes. This frequency is not significantly higher than estimated for a pathogenic variant in FANCI causing Fanconi Anemia (7.6e-05 vs 0.00028), allowing no conclusion about variant significance. To our knowledge, no occurrence of c.406G>A in individuals affected with Fanconi Anemia and no experimental evidence demonstrating its impact on protein function have been reported. ClinVar contains an entry for this variant (Variation ID: 576582). Based on the evidence outlined above, the variant was classified as uncertain significance.

Labcorp Genetics (formerly Invitae), Labcorp
Classification: Uncertain significance for Fanconi anemia. Last evaluated: 2025-01-08. Review status: criteria provided, single submitter. Criteria: Invitae Variant Classification Sherloc (09022015). Collection method: clinical testing. Allele origin: germline.
Comment: This sequence change replaces alanine, which is neutral and non-polar, with threonine, which is neutral and polar, at codon 136 of the FANCI protein (p.Ala136Thr). This variant is present in population databases (rs139181400, gnomAD 0.08%). This variant has not been reported in the literature in individuals affected with FANCI-related conditions. ClinVar contains an entry for this variant (Variation ID: 576582). Invitae Evidence Modeling of protein sequence and biophysical properties (such as structural, functional, and spatial information, amino acid conservation, physicochemical variation, residue mobility, and thermodynamic stability) indicates that this missense variant is not expected to disrupt FANCI protein function with a negative predictive value of 80%. In summary, the available evidence is currently insufficient to determine the role of this variant in disease. Therefore, it has been classified as a Variant of Uncertain Significance.

Fulgent Genetics
Classification: Uncertain significance for Fanconi anemia complementation group I. Last evaluated: 2024-04-24. Review status: criteria provided, single submitter. Criteria: ACMG Guidelines, 2015. Collection method: clinical testing. Allele origin: germline.

Genetic Services Laboratory, University of Chicago
Classification: Uncertain significance. Last evaluated: 2019-09-12. Review status: criteria provided, single submitter. Criteria: ACMG Guidelines, 2015. Collection method: clinical testing. Allele origin: germline. Affected: no.